The following is an entry in ClinVar:

ClinVar aggregate classification (germline): Conflicting classifications of pathogenicity. Review status: criteria provided, conflicting classifications (1 of 4 stars). 3 submissions from 3 submitters: Uncertain significance (2); Likely benign (1). Last evaluated 2026-06-25.

Conditions:
Hereditary breast ovarian cancer syndrome. Also called: Hereditary breast and ovarian cancer; Hereditary breast and/or ovarian cancer syndrome; Breast and ovarian cancer; Hereditary breast and ovarian cancer syndrome; Hereditary breast and ovarian cancer syndrome (HBOC); BRCA1- and BRCA2-Associated Hereditary Breast and Ovarian Cancer. Identifiers: Orphanet 145, MedGen C0677776, MeSH D061325, MONDO:0003582. Disease mechanism: loss of function.
Breast-ovarian cancer, familial, susceptibility to, 2 (BROVCA2). Also called: BRCA2 Hereditary Breast and Ovarian Cancer. Identifiers: Orphanet 145, MedGen C2675520, MONDO:0012933, OMIM 612555. Disease mechanism: loss of function.
Hereditary cancer-predisposing syndrome. Also called: Tumor predisposition; Hereditary Cancer Syndrome; Hereditary neoplastic syndrome; Neoplastic Syndromes, Hereditary. Identifiers: Orphanet 140162, MedGen C0027672, MeSH D009386, MONDO:0015356.

Submissions (3):

Ambry Genetics
Classification: Likely benign for Hereditary cancer-predisposing syndrome. Last evaluated: 2026-06-25. Review status: criteria provided, single submitter. Criteria: Ambry Variant Classification Scheme 2023. Collection method: clinical testing. Allele origin: germline.

Labcorp Genetics (formerly Invitae), Labcorp
Classification: Uncertain significance for Hereditary breast ovarian cancer syndrome. Last evaluated: 2026-01-14. Review status: criteria provided, single submitter. Criteria: Invitae Variant Classification Sherloc (09022015). Collection method: clinical testing. Allele origin: germline.
Comment: This sequence change replaces lysine, which is basic and polar, with isoleucine, which is neutral and non-polar, at codon 3019 of the BRCA2 protein (p.Lys3019Ile). This variant is not present in population databases (gnomAD no frequency). This variant has not been reported in the literature in individuals affected with BRCA2-related conditions. ClinVar contains an entry for this variant (Variation ID: 2111831). Invitae Evidence Modeling of protein sequence and biophysical properties (such as structural, functional, and spatial information, amino acid conservation, physicochemical variation, residue mobility, and thermodynamic stability) indicates that this missense variant is not expected to disrupt BRCA2 protein function with a negative predictive value of 95%. In summary, the available evidence is currently insufficient to determine the role of this variant in disease. Therefore, it has been classified as a Variant of Uncertain Significance.

All of Us Research Program, National Institutes of Health
Classification: Uncertain significance for Breast-ovarian cancer, familial, susceptibility to, 2. Last evaluated: 2023-09-17. Review status: criteria provided, single submitter. Criteria: ACMG Guidelines, 2015. Collection method: clinical testing. Allele origin: germline. Inheritance: Autosomal dominant inheritance. Observed: 1 variant allele, 1 heterozygote.
Comment: This missense variant replaces lysine with isoleucine at codon 3019 of the BRCA2 protein. Computational prediction suggests that this variant may not impact protein structure and function (internally defined REVEL score threshold <= 0.5, PMID: 27666373). To our knowledge, functional studies have not been reported for this variant. This variant has not been reported in individuals affected with hereditary cancer in the literature. This variant has not been identified in the general population by the Genome Aggregation Database (gnomAD). The available evidence is insufficient to determine the role of this variant in disease conclusively. Therefore, this variant is classified as a Variant of Uncertain Significance.

This study involves interpretation of variants in research participants for the purpose of population health screening. Participant phenotype was not available at the time of variant classification. Additional details can be found in publication PMID: 35346344, PMCID: PMC8962531

NM_000059.4(BRCA2):c.9056A>T (p.Lys3019Ile)

Gene: BRCA2 (BRCA2 DNA repair associated; plus strand). Cytogenetic location: 13q13.1.
Variant type: single nucleotide variant.
Coding change: c.9056A>T on transcript NM_000059.4 (MANE Select); coding-DNA position 9056, A replaced by T.
Protein change: p.Lys3019Ile; replaces lysine 3019 with isoleucine.
Molecular consequence: missense variant.
Genome position (GRCh38, 1-based): chr13:32,379,852, A>T. VCF-style: chr13-32379852-A-T. GRCh37 (hg19) VCF-style: chr13-32953989-A-T.
Other names: c.8960A>T, p.Lys2987Ile (NM_001406719.1); c.9005A>T, p.Lys3002Ile (NM_001406720.1); c.4124A>T, p.Lys1375Ile (NM_001406721.1); c.2639A>T, p.Lys880Ile (NM_001406722.1); short protein forms K2987I, K1375I, K880I, K3002I, K3019I.
Identifiers: ClinVar variation 2111831 (VCV002111831.6), dbSNP rs2072909723, ClinGen allele CA387757554.